The following is an entry in ClinVar:

NM_000181.4(GUSB):c.1809dup (p.Asn604fs)

Gene: GUSB (glucuronidase beta; minus strand). Cytogenetic location: 7q11.21.
Variant type: Duplication.
Coding change: c.1809dup on transcript NM_000181.4 (MANE Select); coding-DNA position 1809, one base duplicated (G; older notation c.1809dupG).
Protein change: p.Asn604fs; shifts the reading frame from asparagine 604.
Molecular consequence: frameshift variant. On other transcripts: non-coding transcript variant (1).
Genome position (GRCh38, 1-based): chr7:65,961,044, C duplicated on the plus strand (G on the coding strand, the reverse complement: GUSB is on the minus strand); the first of 4 consecutive C bases (chr7:65,961,044-65,961,047); duplicating any one gives the same sequence. VCF-style (leftmost placement, unchanged base first): chr7-65961043-T-TC. GRCh37 (hg19) VCF-style: chr7-65426030-T-TC.
Other names: c.1371dup, p.Asn458fs (NM_001284290.2); c.1239dup, p.Asn414fs (NM_001293104.2); c.1152dup, p.Asn385fs (NM_001293105.2); short protein forms N385fs, N414fs, N458fs, N604fs.
Identifiers: ClinVar variation 2757736 (VCV002757736.3), dbSNP rs2484734326, ClinGen allele CA2697557268.

ClinVar aggregate classification (germline): Pathogenic (1 of 4 stars; one submission).

Conditions:
Mucopolysaccharidosis type 7 (MPS7). Also called: GUSB DEFICIENCY; SLY SYNDROME; MPS VII; BETA-GLUCURONIDASE DEFICIENCY. Identifiers: Orphanet 584, MedGen C0085132, MONDO:0009662, OMIM 253220.

Submission:

Labcorp Genetics (formerly Invitae), Labcorp
Classification: Pathogenic for Mucopolysaccharidosis type 7. Last evaluated: 2023-06-02. Review status: criteria provided, single submitter. Criteria: Invitae Variant Classification Sherloc (09022015). Collection method: clinical testing. Allele origin: germline.
Comment: For these reasons, this variant has been classified as Pathogenic. This variant disrupts a region of the GUSB protein in which other variant(s) (p.Trp627Cys) have been determined to be pathogenic (PMID: 7680524). This suggests that this is a clinically significant region of the protein, and that variants that disrupt it are likely to be disease-causing. This variant has not been reported in the literature in individuals affected with GUSB-related conditions. This variant is not present in population databases (gnomAD no frequency). This sequence change creates a premature translational stop signal (p.Asn604Glufs*2) in the GUSB gene. While this is not anticipated to result in nonsense mediated decay, it is expected to disrupt the last 48 amino acid(s) of the GUSB protein.

Literature cited by the submitters: PubMed 7680524.